The following is an entry in ClinVar:

ClinVar aggregate classification (germline): Uncertain significance (1 of 4 stars; one submission).

Conditions:
MHC class II deficiency. Also called: Bare lymphocyte syndrome 2; BLS, TYPE II. Identifiers: Orphanet 572, MedGen C5447452, MONDO:0008855.

Allele frequency attached by ClinVar (database versions not stated): ExAC 0.00003; TOPMed 0.00003; gnomAD 0.00004.
gnomAD v4.1: 96 of 1,613,258 alleles (0.006%); highest among the groups gnomAD compares: Non-Finnish European, 0.0075%; no homozygotes.

Submission:

Labcorp Genetics (formerly Invitae), Labcorp
Classification: Uncertain significance for MHC class II deficiency. Last evaluated: 2024-09-06. Review status: criteria provided, single submitter. Criteria: Invitae Variant Classification Sherloc (09022015). Collection method: clinical testing. Allele origin: germline.
Comment: This sequence change affects codon 459 of the CIITA mRNA. It is a 'silent' change, meaning that it does not change the encoded amino acid sequence of the CIITA protein. This variant is present in population databases (rs749946306, gnomAD 0.008%). This variant has not been reported in the literature in individuals affected with CIITA-related conditions. ClinVar contains an entry for this variant (Variation ID: 2201829). Algorithms developed to predict the effect of sequence changes on RNA splicing suggest that this variant may create or strengthen a splice site. In summary, the available evidence is currently insufficient to determine the role of this variant in disease. Therefore, it has been classified as a Variant of Uncertain Significance.

NM_000246.4(CIITA):c.1377G>A (p.Pro459=)

Gene: CIITA (class II major histocompatibility complex transactivator; plus strand). Cytogenetic location: 16p13.13.
Variant type: single nucleotide variant.
Coding change: c.1377G>A on transcript NM_000246.4 (MANE Select); coding-DNA position 1377, G replaced by A.
Protein change: p.Pro459=; no amino-acid change (proline 459 retained).
Molecular consequence: synonymous variant. On other transcripts: intron variant (1).
Genome position (GRCh38, 1-based): chr16:10,906,869, G>A. VCF-style: chr16-10906869-G-A. GRCh37 (hg19) VCF-style: chr16-11000726-G-A.
Other names: c.1380G>A, p.Pro460= (NM_001286402.1, NM_001379332.1); c.1233G>A, p.Pro411= (NM_001379330.1); c.1230G>A, p.Pro410= (NM_001379331.1); c.1377G>A, p.Pro459= (NM_001379333.1); c.1308G>A, p.Pro436= (NM_001379334.1); c.859+2057G>A (NM_001286403.2).
Identifiers: ClinVar variation 2201829 (VCV002201829.2), dbSNP rs749946306, ClinGen allele CA7900114.